The following is an entry in ClinVar:

ClinVar aggregate classification (germline): Pathogenic (1 of 4 stars; one submission).

Submission:

Labcorp Genetics (formerly Invitae), Labcorp
Classification: Pathogenic. Last evaluated: 2025-01-06. Review status: criteria provided, single submitter. Criteria: Invitae Variant Classification Sherloc (09022015). Collection method: clinical testing. Allele origin: germline.
Comment: This sequence change creates a premature translational stop signal (p.Cys1613Ilefs*20) in the VPS13C gene. It is expected to result in an absent or disrupted protein product. Loss-of-function variants in VPS13C are known to be pathogenic (PMID: 26942284, 34875562). This variant is present in population databases (no rsID available, gnomAD 0.0009%). This variant has not been reported in the literature in individuals affected with VPS13C-related conditions. For these reasons, this variant has been classified as Pathogenic.

Literature cited by the submitters: PubMed 26942284; PubMed 34875562.

NM_020821.3(VPS13C):c.4836_4839del (p.Cys1613fs)

Gene: VPS13C (vacuolar protein sorting 13 homolog C; minus strand). Cytogenetic location: 15q22.2.
Variant type: Deletion.
Coding change: c.4836_4839del on transcript NM_020821.3 (MANE Select); coding-DNA positions 4836 to 4839, 4 bases deleted (CTGT; older notation c.4836_4839delCTGT).
Protein change: p.Cys1613fs; shifts the reading frame from cysteine 1613.
Molecular consequence: frameshift variant.
Genome position (GRCh38, 1-based): chr15:61,947,230-61,947,233, ACAG deleted on the plus strand (CTGT on the coding strand, the reverse complement: VPS13C is on the minus strand); deleting any 4 consecutive bases within chr15:61,947,230-61,947,236 gives the same sequence; the c. name uses the placement nearest the transcript's 3' end. VCF-style (leftmost placement, unchanged base first): chr15-61947229-CACAG-C. GRCh37 (hg19) VCF-style: chr15-62239428-CACAG-C.
Other names: c.4836_4839del, p.Cys1613fs (NM_001018088.3); c.4707_4710del, p.Cys1570fs (NM_017684.5, NM_018080.4); short protein forms C1570fs, C1613fs.
Identifiers: ClinVar variation 3702471 (VCV003702471.2).